The following is an entry in ClinVar:

ClinVar aggregate classification (germline): Pathogenic/Likely pathogenic. Review status: criteria provided, multiple submitters, no conflicts (2 of 4 stars). 2 submissions from 2 submitters: Pathogenic (1); Likely pathogenic (1). Last evaluated 2026-02-01.

Conditions:
Lethal Kniest-like syndrome (DDSH). Also called: Dyssegmental Dysplasia. Identifiers: Orphanet 1865, MedGen C1857100, MONDO:0009140, OMIM 224410.

Submissions (2):

CeGaT Center for Human Genetics Tuebingen
Classification: Pathogenic. Last evaluated: 2026-02-01. Review status: criteria provided, single submitter. Criteria: CeGaT Center For Human Genetics Tuebingen Variant Classification Criteria Version 2. Collection method: clinical testing. Allele origin: germline. Affected: yes. Observed: 1 variant allele.
Comment: HSPG2: PVS1, PM2

Breakthrough Genomics
Classification: Likely pathogenic for Lethal Kniest-like syndrome. Last evaluated: 2021-08-24. Review status: criteria provided, single submitter. Criteria: ACMG Guidelines, 2015. Collection method: clinical testing. Allele origin: germline. Affected: yes.
Comment: This variant seems to be a novel variant, as it has not been previously reported in population or public databases or in the literature. However, splice variants lying downstream of the identified variant, have been reported as pathogenic/likely pathogenic in the ClinVar database in the context of Schwartz-Jampel syndrome and lethal Kniest-like syndrome, respectively. Loss-of-function variants in the HSPG2 gene are known to be pathogenic [PMID: 11279527, 16927315, 20542149, 23836246].

NM_005529.7(HSPG2):c.7294+1G>C

Gene: HSPG2 (heparan sulfate proteoglycan 2; minus strand). Cytogenetic location: 1p36.12.
Variant type: single nucleotide variant.
Coding change: c.7294+1G>C on transcript NM_005529.7 (MANE Select); the canonical splice donor site of the intron after coding-DNA position 7294, G replaced by C.
Molecular consequence: splice donor variant.
Genome position (GRCh38, 1-based): chr1:21,850,362, C>G on the plus strand (G>C on the coding strand, the complement: HSPG2 is on the minus strand). VCF-style: chr1-21850362-C-G. GRCh37 (hg19) VCF-style: chr1-22176855-C-G.
Other names: c.7297+1G>C (NM_001291860.2).
Identifiers: ClinVar variation 3255569 (VCV003255569.6).